The following is an entry in ClinVar:

NM_033159.4(HYAL1):c.14T>C (p.Leu5Pro)

Gene: HYAL1 (hyaluronidase 1; minus strand). Cytogenetic location: 3p21.31.
Variant type: single nucleotide variant.
Coding change: c.14T>C on transcript NM_033159.4 (MANE Select); coding-DNA position 14, T replaced by C.
Protein change: p.Leu5Pro; replaces leucine 5 with proline.
Molecular consequence: missense variant. On other transcripts: non-coding transcript variant (1), intron variant (2).
Genome position (GRCh38, 1-based): chr3:50,302,943, A>G on the plus strand (T>C on the coding strand, the complement: HYAL1 is on the minus strand). VCF-style: chr3-50302943-A-G. GRCh37 (hg19) VCF-style: chr3-50340374-A-G.
Other names: c.14T>C, p.Leu5Pro (NM_153281.2, NM_153282.3); c.-27+523T>C (NM_153285.3); c.-213-320T>C (NM_153283.3); short protein forms L5P.
Identifiers: ClinVar variation 1392943 (VCV001392943.5), dbSNP rs138329304, ClinGen allele CA2416035.

ClinVar aggregate classification (germline): Uncertain significance (1 of 4 stars; one submission).

Conditions:
Deficiency of hyaluronoglucosaminidase (MPS9). Also called: Mucopolysaccharidosis type 9; HYALURONIDASE DEFICIENCY; MPS IX. Identifiers: Orphanet 67041, MedGen C1291490, MONDO:0011093, OMIM 601492.

Allele frequency attached by ClinVar (database versions not stated): TOPMed 0.00003; gnomAD 0.00004 and 0.00005; gnomAD exomes 0.00007; ExAC 0.00011; 1000 Genomes Project 30x 0.00016; 1000 Genomes Project 0.00020; ESP Exome Variant Server 0.00031.
gnomAD v4.1: 109 of 1,570,592 alleles (0.0069%); highest among the groups gnomAD compares: Non-Finnish European, 0.0088%; no homozygotes.

Submission:

Labcorp Genetics (formerly Invitae), Labcorp
Classification: Uncertain significance for Deficiency of hyaluronoglucosaminidase. Last evaluated: 2021-09-01. Review status: criteria provided, single submitter. Criteria: Invitae Variant Classification Sherloc (09022015). Collection method: clinical testing. Allele origin: germline.
Comment: This sequence change replaces leucine with proline at codon 5 of the HYAL1 protein (p.Leu5Pro). The leucine residue is moderately conserved and there is a moderate physicochemical difference between leucine and proline. This variant is present in population databases (rs138329304, ExAC 0.02%). This variant has not been reported in the literature in individuals affected with HYAL1-related conditions. Algorithms developed to predict the effect of missense changes on protein structure and function (SIFT, PolyPhen-2, Align-GVGD) all suggest that this variant is likely to be tolerated. In summary, the available evidence is currently insufficient to determine the role of this variant in disease. Therefore, it has been classified as a Variant of Uncertain Significance.